The following is an entry in ClinVar:

ClinVar aggregate classification (germline): Uncertain significance (1 of 4 stars; one submission).

Conditions:
CFI-related disorder. Also called: CFI-related condition; CFI-related disorders. Identifiers: MedGen CN239325.

Submission:

Genomenon, Inc
Classification: Uncertain significance for CFI-related disorder. Last evaluated: 2025-09-26. Review status: criteria provided, single submitter. Criteria: Genomenon Sequence Variant Interpretation Standards - Updated. Collection method: curation. Allele origin: germline. Affected: no.
Comment: CFI p.Lys239Gln (c.715A>C) is a missense variant that changes the amino acid at residue 239 from Lysine to Glutamine. To our knowledge, this variant has not been reported in patients affected with CFI-related disorders in the published literature. Functional studies have been reported; however, the significance of the findings remain unclear (20044478). The variant is located in a mutational hotspot. It is absent or not present at a significant frequency in gnomAD. In silico models agree that this variant is not damaging. In conclusion, we classify CFI p.Lys239Gln (c.715A>C) as a variant of unknown significance.

NM_000204.5(CFI):c.715A>C (p.Lys239Gln)

Gene: CFI (complement factor I; minus strand). Cytogenetic location: 4q25.
Variant type: single nucleotide variant.
Coding change: c.715A>C on transcript NM_000204.5 (MANE Select); coding-DNA position 715, A replaced by C.
Protein change: p.Lys239Gln; replaces lysine 239 with glutamine.
Molecular consequence: missense variant. On other transcripts: non-coding transcript variant (3).
Genome position (GRCh38, 1-based): chr4:109,760,580, T>G on the plus strand (A>C on the coding strand, the complement: CFI is on the minus strand). VCF-style: chr4-109760580-T-G. GRCh37 (hg19) VCF-style: chr4-110681736-T-G.
Other names: c.715A>C, p.Lys239Gln (NM_001318057.2, NM_001331035.2, NM_001375278.1 and 10 more transcripts); c.106A>C, p.Lys36Gln (NM_001375284.1); short protein forms K239Q, K36Q.
Identifiers: ClinVar variation 4280505 (VCV004280505.1).